The following is an entry in ClinVar:

NM_001035.3(RYR2):c.1292+20C>T

Gene: RYR2 (ryanodine receptor 2; plus strand). Cytogenetic location: 1q43.
Variant type: single nucleotide variant.
Coding change: c.1292+20C>T on transcript NM_001035.3 (MANE Select); 20 bases into the intron after coding-DNA position 1292, C replaced by T.
Molecular consequence: intron variant.
Genome position (GRCh38, 1-based): chr1:237,445,542, C>T. VCF-style: chr1-237445542-C-T. GRCh37 (hg19) VCF-style: chr1-237608842-C-T.
Other names: c.1292+20C>T (LRG_402t1).
Identifiers: ClinVar variation 138938 (VCV000138938.30), dbSNP rs182050281, ClinGen allele CA007758.
Genomic context (GRCh38, chr1:237,445,542, plus strand): 5'-GTTATCCGGAGCACAGTCTTCCTTTTCAATAGATTTATAAGGTACTTTTTCTTTTGTAGG[C>T]GTAGTTGTTTGATACTTCATTTTCATTTCTTTATTGGATATGCAAATAGACAATTTAAAA-3'

ClinVar aggregate classification (germline): Benign/Likely benign. Review status: criteria provided, multiple submitters, no conflicts (2 of 4 stars). 11 submissions from 11 submitters: Benign (7); Likely benign (1). 3 of the submissions do not count toward it. Last evaluated 2026-02-03.

Conditions:
Catecholaminergic polymorphic ventricular tachycardia 1. Also called: VENTRICULAR TACHYCARDIA, STRESS-INDUCED POLYMORPHIC 1; VENTRICULAR TACHYCARDIA, CATECHOLAMINERGIC POLYMORPHIC, 1, WITH OR WITHOUT ATRIAL DYSFUNCTION AND/OR DILATED CARDIOMYOPATHY; RYR2-Related Catecholaminergic Polymorphic Ventricular Tachycardia. Identifiers: Orphanet 3286, MedGen C1631597, MONDO:0011484, OMIM 604772.

Allele frequency attached by ClinVar (database versions not stated): ESP Exome Variant Server 0.00464; gnomAD 0.00493 and 0.00565; TOPMed 0.00517; 1000 Genomes Project 0.00659; 1000 Genomes Project 30x 0.00703; gnomAD exomes 0.00810; ExAC 0.00833.
gnomAD v4.1: 12,166 of 1,611,854 alleles (0.75%); highest among the groups gnomAD compares: South Asian, 2.8%; 105 homozygotes.

Submissions (12):

Labcorp Genetics (formerly Invitae), Labcorp
Classification: Benign for Catecholaminergic polymorphic ventricular tachycardia 1. Last evaluated: 2026-02-03. Review status: criteria provided, single submitter. Criteria: Invitae Variant Classification Sherloc (09022015). Collection method: clinical testing. Allele origin: germline.

Genomic Medicine Center of Excellence, King Faisal Specialist Hospital and Research Centre
Classification: Likely benign. Last evaluated: 2025-08-18. Review status: criteria provided, single submitter. Criteria: ACMG Guidelines, 2015. Collection method: clinical testing. Allele origin: germline.

Blueprint Genetics
Classification: Benign. Last evaluated: 2024-11-26. Review status: criteria provided, single submitter. Criteria: ACMG Guidelines, 2015. Collection method: clinical testing. Allele origin: germline.

ARUP Laboratories, Molecular Genetics and Genomics, ARUP Laboratories
Classification: Benign. Last evaluated: 2023-09-25. Review status: criteria provided, single submitter. Criteria: ARUP Molecular Germline Variant Investigation Process 2024. Collection method: clinical testing. Allele origin: germline.

Women's Health and Genetics/Laboratory Corporation of America, LabCorp
Classification: Benign. Last evaluated: 2019-11-18. Review status: criteria provided, single submitter. Criteria: LabCorp Variant Classification Summary - May 2015. Collection method: clinical testing. Allele origin: germline.
Comment: Variant summary: RYR2 c.1292+20C>T alters a non-conserved nucleotide located close to a canonical splice site and therefore could affect mRNA splicing, leading to a significantly altered protein sequence. 4/4 computational tools predict no significant impact on normal splicing. However, these predictions have yet to be confirmed by functional studies. The variant allele was found at a frequency of 0.0081 in 248384 control chromosomes in the gnomAD database, including 31 homozygotes. The observed variant frequency is approximately 324 fold of the estimated maximal expected allele frequency for a pathogenic variant in RYR2 causing Cardiomyopathy phenotype (2.5e-05), strongly suggesting that the variant is benign. To our knowledge, no occurrence of c.1292+20C>T in individuals affected with Cardiomyopathy and no experimental evidence demonstrating its impact on protein function have been reported. One clinical diagnostic laboratory has submitted clinical-significance assessments for this variant to ClinVar after 2014 without evidence for independent evaluation and classified the variant as benign. Based on the evidence outlined above, the variant was classified as benign.

PreventionGenetics, part of Exact Sciences
Classification: Benign. Last evaluated: 2016-04-03. Review status: criteria provided, single submitter. Criteria: ACMG Guidelines, 2015. Collection method: clinical testing. Allele origin: germline.

GeneDx
Classification: Benign. Last evaluated: 2011-08-09. Review status: criteria provided, single submitter. Criteria: GeneDx Variant Classification (06012015). Collection method: clinical testing. Allele origin: germline. Affected: yes.
Comment: This variant is considered likely benign or benign based on one or more of the following criteria: it is a conservative change, it occurs at a poorly conserved position in the protein, it is predicted to be benign by multiple in silico algorithms, and/or has population frequency not consistent with disease.

Breakthrough Genomics
Classification: Benign. Review status: criteria provided, single submitter. Criteria: ACMG Guidelines, 2015. Collection method: not provided. Allele origin: germline. Inheritance: Autosomal dominant inheritance. Affected: yes.

Clinical Genetics DNA and cytogenetics Diagnostics Lab, Erasmus MC, Erasmus Medical Center
Classification: Benign. Review status: no assertion criteria provided. Collection method: clinical testing. Allele origin: germline. Affected: yes. Study: VKGL Data-share Consensus. Not counted in ClinVar's aggregate classification.

Clinical Genetics, Academic Medical Center
Classification: Benign. Review status: no assertion criteria provided. Collection method: clinical testing. Allele origin: germline. Affected: yes. Study: VKGL Data-share Consensus. Not counted in ClinVar's aggregate classification.

Diagnostic Laboratory, Department of Genetics, University Medical Center Groningen
Classification: Likely benign. Review status: no assertion criteria provided. Collection method: clinical testing. Allele origin: germline. Affected: yes. Study: VKGL Data-share Consensus. Not counted in ClinVar's aggregate classification.

Dr. Peter K. Rogan Lab, Western University
No classification provided (evidence only). Condition: Lung cancer. Review status: no classification provided. Collection method: in vitro. Allele origin: not applicable. Functional consequence: retained intron. Not counted in ClinVar's aggregate classification.